The following is an entry in ClinVar:

NM_001128425.2(MUTYH):c.184C>T (p.Pro62Ser)

Gene: MUTYH (mutY DNA glycosylase; minus strand). Cytogenetic location: 1p34.1.
Variant type: single nucleotide variant.
Coding change: c.184C>T on transcript NM_001128425.2 (MANE Plus Clinical); coding-DNA position 184, C replaced by T.
Protein change: p.Pro62Ser; replaces proline 62 with serine.
Molecular consequence: missense variant. On other transcripts: intron variant (10).
Genome position (GRCh38, 1-based): chr1:45,333,577, G>A on the plus strand (C>T on the coding strand, the complement: MUTYH is on the minus strand). VCF-style: chr1-45333577-G-A. GRCh37 (hg19) VCF-style: chr1-45799249-G-A.
Other names: c.133C>T, p.Pro45Ser (NM_001293191.2); c.175C>T, p.Pro59Ser (NM_012222.3); c.-92-80C>T (NM_001350651.2); c.-97-80C>T (NM_001293192.2, NM_001293196.2); c.-156-16C>T (NM_001350650.2); c.116-16C>T (NM_001048171.2, NM_001048173.2, NM_001048174.2 and 1 more transcripts); c.158-13C>T (NM_001293190.2); c.116-13C>T (NM_001048172.2); short protein forms P45S, P62S, P59S.
Identifiers: ClinVar variation 820177 (VCV000820177.8), dbSNP rs1279830238, ClinGen allele CA340136773.

ClinVar aggregate classification (germline): Conflicting classifications of pathogenicity. Review status: criteria provided, conflicting classifications (1 of 4 stars). 3 submissions from 3 submitters: Uncertain significance (2); Likely benign (1). Last evaluated 2025-06-24.

Conditions:
Familial adenomatous polyposis 2. Also called: FAP type 2; MUTYH Polyposis; COLORECTAL ADENOMATOUS POLYPOSIS, AUTOSOMAL RECESSIVE; ADENOMAS, MULTIPLE COLORECTAL, AUTOSOMAL RECESSIVE; MUTYH-associated polyposis; MUTYH-related attenuated familial adenomatous polyposis. Identifiers: Orphanet 220460, Orphanet 247798, MedGen C3272841, MONDO:0012041, OMIM 608456.
Hereditary cancer-predisposing syndrome. Also called: Tumor predisposition; Hereditary Cancer Syndrome; Hereditary neoplastic syndrome; Neoplastic Syndromes, Hereditary. Identifiers: Orphanet 140162, MedGen C0027672, MeSH D009386, MONDO:0015356.

Submissions (3):

Color Diagnostics, LLC DBA Color Health
Classification: Likely benign for Hereditary cancer-predisposing syndrome. Last evaluated: 2025-06-24. Review status: criteria provided, single submitter. Criteria: ACMG Guidelines, 2015. Collection method: clinical testing. Allele origin: germline.

Labcorp Genetics (formerly Invitae), Labcorp
Classification: Uncertain significance for Familial adenomatous polyposis 2. Last evaluated: 2023-10-04. Review status: criteria provided, single submitter. Criteria: Invitae Variant Classification Sherloc (09022015). Collection method: clinical testing. Allele origin: germline.
Comment: This sequence change replaces proline, which is neutral and non-polar, with serine, which is neutral and polar, at codon 62 of the MUTYH protein (p.Pro62Ser). This variant is not present in population databases (gnomAD no frequency). This variant has not been reported in the literature in individuals affected with MUTYH-related conditions. ClinVar contains an entry for this variant (Variation ID: 820177). Algorithms developed to predict the effect of missense changes on protein structure and function output the following: SIFT: "Not Available"; PolyPhen-2: "Benign"; Align-GVGD: "Not Available". The serine amino acid residue is found in multiple mammalian species, which suggests that this missense change does not adversely affect protein function. In summary, the available evidence is currently insufficient to determine the role of this variant in disease. Therefore, it has been classified as a Variant of Uncertain Significance.

Ambry Genetics
Classification: Uncertain significance for Hereditary cancer-predisposing syndrome. Last evaluated: 2019-08-27. Review status: criteria provided, single submitter. Criteria: Ambry Variant Classification Scheme 2023. Collection method: clinical testing. Allele origin: germline.
Comment: The p.P62S variant (also known as c.184C>T), located in coding exon 3 of the MUTYH gene, results from a C to T substitution at nucleotide position 184. The proline at codon 62 is replaced by serine, an amino acid with similar properties. This amino acid position is not well conserved in available vertebrate species. In addition, this alteration is predicted to be tolerated by in silico analysis. Since supporting evidence is limited at this time, the clinical significance of this alteration remains unclear.